The following is an entry in ClinVar:

ClinVar aggregate classification (germline): Uncertain significance. Review status: criteria provided, multiple submitters, no conflicts (2 of 4 stars). 2 submissions from 2 submitters: Uncertain significance (2). Last evaluated 2024-07-03.

Conditions:
Inborn genetic diseases. Identifiers: MedGen C0950123, MeSH D030342.

Allele frequency attached by ClinVar (database versions not stated): gnomAD 0.00006; ExAC 0.00003; TOPMed 0.00012.
gnomAD v4.1: 34 of 1,611,262 alleles (0.0021%); highest among the groups gnomAD compares: African/African-American, 0.034%; no homozygotes.

Submissions (2):

Dasa
Classification: Uncertain significance. Last evaluated: 2024-07-03. Review status: criteria provided, single submitter. Criteria: DASA Assertion Criteria. Collection method: clinical testing. Allele origin: germline.
Comment: NM_020066.5(FMN2):c.3683C>T (p.Pro1228Leu) is a missense variant that results in the substitution of proline with leucine. This variant is rare in population databases. Computational prediction algorithms are consistent with a benign effect. The currently available literature and clinical evidence are not sufficient to establish a definitive association between this variant and the reported condition. Therefore, this variant is classified as a variant of uncertain significance.

Ambry Genetics
Classification: Uncertain significance for Inborn genetic diseases. Last evaluated: 2023-12-31. Review status: criteria provided, single submitter. Criteria: Ambry Variant Classification Scheme 2023. Collection method: clinical testing. Allele origin: germline.

NM_020066.5(FMN2):c.3683C>T (p.Pro1228Leu)

Gene: FMN2 (formin 2; plus strand). Cytogenetic location: 1q43.
Variant type: single nucleotide variant.
Coding change: c.3683C>T on transcript NM_020066.5 (MANE Select); coding-DNA position 3683, C replaced by T.
Protein change: p.Pro1228Leu; replaces proline 1228 with leucine.
Molecular consequence: missense variant. On other transcripts: intron variant (1).
Genome position (GRCh38, 1-based): chr1:240,208,495, C>T. VCF-style: chr1-240208495-C-T. GRCh37 (hg19) VCF-style: chr1-240371795-C-T.
Other names: c.3695C>T, p.Pro1232Leu (NM_001305424.2); c.1986+20233C>T (NM_001348094.2); short protein forms P1228L, P1232L.
Identifiers: ClinVar variation 3095824 (VCV003095824.3), dbSNP rs534158931, ClinGen allele CA1477277.